The following is an entry in ClinVar:

NM_001035.3(RYR2):c.5760C>T (p.His1920=)

Gene: RYR2 (ryanodine receptor 2; plus strand). Cytogenetic location: 1q43.
Variant type: single nucleotide variant.
Coding change: c.5760C>T on transcript NM_001035.3 (MANE Select); coding-DNA position 5760, C replaced by T.
Protein change: p.His1920=; no amino-acid change (histidine 1920 retained).
Molecular consequence: synonymous variant.
Genome position (GRCh38, 1-based): chr1:237,617,330, C>T. VCF-style: chr1-237617330-C-T. GRCh37 (hg19) VCF-style: chr1-237780630-C-T.
Identifiers: ClinVar variation 3072940 (VCV003072940.1), dbSNP rs2148613730, ClinGen allele CA423821186.
Genomic context (GRCh38, chr1:237,617,330, plus strand): 5'-TTTAATGGTCTCTTAGATGTGCCTACTGCTTCAGTACCTCTGTGACTGCCAGGTCCGGCA[C>T]CGGATAGAAGCCATTGTAGCCTTTTCAGATGATTTTGTGGCTAAGCTCCAAGACAATCAA-3'
Protein context (NP_001026.2, residues 1910-1930): LQYLCDCQVR[His1920=]RIEAIVAFSD

ClinVar aggregate classification (germline): Likely benign (1 of 4 stars; one submission).

Conditions:
Catecholaminergic polymorphic ventricular tachycardia (CVPT). Also called: Catecholamine-induced polymorphic ventricular tachycardia. Identifiers: Orphanet 3286, MedGen C5574922, MONDO:0017990.

Submission:

All of Us Research Program, National Institutes of Health
Classification: Likely benign for Catecholaminergic polymorphic ventricular tachycardia. Last evaluated: 2023-08-15. Review status: criteria provided, single submitter. Criteria: ACMG Guidelines, 2015. Collection method: clinical testing. Allele origin: germline. Inheritance: Autosomal dominant inheritance. Observed: 1 variant allele, 1 heterozygote.
Comment: This study involves interpretation of variants in research participants for the purpose of population health screening. Participant phenotype was not available at the time of variant classification. Additional details can be found in publication PMID: 35346344, PMCID: PMC8962531